The following is an entry in ClinVar:

ClinVar aggregate classification (germline): Conflicting classifications of pathogenicity. Review status: criteria provided, conflicting classifications (1 of 4 stars). 3 submissions from 3 submitters: Pathogenic (1); Uncertain significance (2). Last evaluated 2024-04-24.

Conditions:
Fetal akinesia, respiratory insufficiency, microcephaly, polymicrogyria, and dysmorphic facies. Identifiers: MedGen C5562015, MONDO:0859204, OMIM 619602.

Submissions (3):

Athena Diagnostics
Classification: Uncertain significance. Last evaluated: 2024-04-24. Review status: criteria provided, single submitter. Criteria: Athena Diagnostics Criteria. Collection method: clinical testing. Allele origin: unknown.

GeneDx
Classification: Uncertain significance. Last evaluated: 2019-08-05. Review status: criteria provided, single submitter. Criteria: GeneDx Variant Classification Process June 2021. Collection method: clinical testing. Allele origin: germline. Affected: yes.
Comment: Has not been previously published as pathogenic or benign to our knowledge; Not observed in large population cohorts (Lek et al., 2016); In silico analysis, which includes protein predictors and evolutionary conservation, supports a deleterious effect; In addition, in silico splice predictors suggest this variant may lead to abnormal gene splicing. In the absence of RNA/functional studies, the actual effect of this sequence change is unknown.

Diagnostics Division, CENTRE FOR DNA FINGERPRINTING AND DIAGNOSTICS
Classification: Pathogenic for Fetal akinesia, respiratory insufficiency, microcephaly, polymicrogyria, and dysmorphic facies. Review status: criteria provided, single submitter. Criteria: ACMG Guidelines, 2015. Collection method: research. Allele origin: germline. Inheritance: Autosomal recessive inheritance. Affected: yes. Observed: 1 homozygote.

NM_000702.4(ATP1A2):c.1651G>C (p.Gly551Arg)

Gene: ATP1A2 (ATPase Na+/K+ transporting subunit alpha 2; plus strand). Cytogenetic location: 1q23.2.
Variant type: single nucleotide variant.
Coding change: c.1651G>C on transcript NM_000702.4 (MANE Select); coding-DNA position 1651, G replaced by C.
Protein change: p.Gly551Arg; replaces glycine 551 with arginine.
Molecular consequence: missense variant.
Genome position (GRCh38, 1-based): chr1:160,130,291, G>C. VCF-style: chr1-160130291-G-C. GRCh37 (hg19) VCF-style: chr1-160100081-G-C.
Other names: short protein forms G551R.
Identifiers: ClinVar variation 1307737 (VCV001307737.5), dbSNP rs746744495, ClinGen allele CA343243819.